The following is an entry in ClinVar:

ClinVar aggregate classification (germline): Uncertain significance (1 of 4 stars; one submission).

Submission:

GeneDx
Classification: Uncertain significance. Last evaluated: 2023-01-11. Review status: criteria provided, single submitter. Criteria: GeneDx Variant Classification Process June 2021. Collection method: clinical testing. Allele origin: germline. Affected: yes.
Comment: Not observed at significant frequency in large population cohorts (gnomAD); In silico analysis supports that this missense variant does not alter protein structure/function; Has not been previously published as pathogenic or benign to our knowledge

NM_004999.4(MYO6):c.2545C>G (p.Arg849Gly)

Gene: MYO6 (myosin VI; plus strand). Cytogenetic location: 6q14.1.
Variant type: single nucleotide variant.
Coding change: c.2545C>G on transcript NM_004999.4 (MANE Select); coding-DNA position 2545, C replaced by G.
Protein change: p.Arg849Gly; replaces arginine 849 with glycine.
Molecular consequence: missense variant. On other transcripts: non-coding transcript variant (1).
Genome position (GRCh38, 1-based): chr6:75,886,881, C>G. VCF-style: chr6-75886881-C-G. GRCh37 (hg19) VCF-style: chr6-76596598-C-G.
Other names: c.2545C>G, p.Arg849Gly (NM_001300899.2, NM_001368136.1, NM_001368137.1 and 2 more transcripts); c.2530C>G, p.Arg844Gly (NM_001368138.1); short protein forms R844G, R849G.
Identifiers: ClinVar variation 2572683 (VCV002572683.1), dbSNP rs121912561, ClinGen allele CA364775261.